The following is an entry in ClinVar:

NM_005188.4(CBL):c.657G>A (p.Leu219=)

Gene: CBL (Cbl proto-oncogene; plus strand). Cytogenetic location: 11q23.3.
Variant type: single nucleotide variant.
Coding change: c.657G>A on transcript NM_005188.4 (MANE Select); coding-DNA position 657, G replaced by A.
Protein change: p.Leu219=; no amino-acid change (leucine 219 retained).
Molecular consequence: synonymous variant.
Genome position (GRCh38, 1-based): chr11:119,273,934, G>A. VCF-style: chr11-119273934-G-A. GRCh37 (hg19) VCF-style: chr11-119144644-G-A.
Identifiers: ClinVar variation 3251005 (VCV003251005.18), dbSNP rs2135298871.
Genomic context (GRCh38, chr11:119,273,934, plus strand): 5'-AGTCCCTTGGAAGAGCTTTCGACAGGCTCTACATGAAGTGCATCCCATCAGTTCTGGGCT[G>A]GAGGCCATGGCTCTGAAATCCACTATTGATCTGACCTGCAATGATTATATTTCGGTTTTT-3'
Protein context (NP_005179.2, residues 209-229): LHEVHPISSG[Leu219=]EAMALKSTID

ClinVar aggregate classification (germline): Likely benign (1 of 4 stars; one submission).

Submission:

CeGaT Center for Human Genetics Tuebingen
Classification: Likely benign. Last evaluated: 2024-06-01. Review status: criteria provided, single submitter. Criteria: CeGaT Center For Human Genetics Tuebingen Variant Classification Criteria Version 2. Collection method: clinical testing. Allele origin: germline. Affected: yes. Observed: 1 variant allele.
Comment: CBL: PM2:Supporting, BP4, BP7